The following is an entry in ClinVar:

ClinVar aggregate classification (germline): Uncertain significance (1 of 4 stars; one submission).

Conditions:
Cognitive impairment - coarse facies - heart defects - obesity - pulmonary involvement - short stature - skeletal dysplasia syndrome. Also called: AFF4-Related CHOPS Syndrome; COGNITIVE IMPAIRMENT, COARSE FACIES, HEART DEFECTS, OBESITY, PULMONARY INVOLVEMENT, SHORT STATURE, AND SKELETAL DYSPLASIA; Chops syndrome. Identifiers: Orphanet 444077, MedGen C4085597, MONDO:0014609, OMIM 616368.

Allele frequency attached by ClinVar (database versions not stated): gnomAD exomes below 0.00001; ExAC 0.00001.
gnomAD v4.1: 1 of 1,614,012 alleles (0.000062%); highest among the groups gnomAD compares: Admixed American, 0.0017%; no homozygotes.

Submission:

Labcorp Genetics (formerly Invitae), Labcorp
Classification: Uncertain significance for Cognitive impairment - coarse facies - heart defects - obesity - pulmonary involvement - short stature - skeletal dysplasia syndrome. Last evaluated: 2025-02-06. Review status: criteria provided, single submitter. Criteria: Invitae Variant Classification Sherloc (09022015). Collection method: clinical testing. Allele origin: germline.
Comment: This sequence change replaces aspartic acid, which is acidic and polar, with valine, which is neutral and non-polar, at codon 591 of the AFF4 protein (p.Asp591Val). This variant is present in population databases (rs770702610, gnomAD 0.003%). This variant has not been reported in the literature in individuals affected with AFF4-related conditions. ClinVar contains an entry for this variant (Variation ID: 1956284). Invitae Evidence Modeling of protein sequence and biophysical properties (such as structural, functional, and spatial information, amino acid conservation, physicochemical variation, residue mobility, and thermodynamic stability) indicates that this missense variant is not expected to disrupt AFF4 protein function with a negative predictive value of 80%. In summary, the available evidence is currently insufficient to determine the role of this variant in disease. Therefore, it has been classified as a Variant of Uncertain Significance.

NM_014423.4(AFF4):c.1772A>T (p.Asp591Val)

Gene: AFF4 (ALF transcription elongation factor 4; minus strand). Cytogenetic location: 5q31.1.
Variant type: single nucleotide variant.
Coding change: c.1772A>T on transcript NM_014423.4 (MANE Select); coding-DNA position 1772, A replaced by T.
Protein change: p.Asp591Val; replaces aspartic acid 591 with valine.
Molecular consequence: missense variant.
Genome position (GRCh38, 1-based): chr5:132,896,858, T>A on the plus strand (A>T on the coding strand, the complement: AFF4 is on the minus strand). VCF-style: chr5-132896858-T-A. GRCh37 (hg19) VCF-style: chr5-132232550-T-A.
Other names: short protein forms D591V.
Identifiers: ClinVar variation 1956284 (VCV001956284.5), dbSNP rs770702610, ClinGen allele CA3409039.